The following is an entry in ClinVar:

NM_001271.4(CHD2):c.667C>T (p.Arg223Cys)

Gene: CHD2 (chromodomain helicase DNA binding protein 2; plus strand). Cytogenetic location: 15q26.1.
Variant type: single nucleotide variant.
Coding change: c.667C>T on transcript NM_001271.4 (MANE Select); coding-DNA position 667, C replaced by T.
Protein change: p.Arg223Cys; replaces arginine 223 with cysteine.
Molecular consequence: missense variant.
Genome position (GRCh38, 1-based): chr15:92,939,693, C>T. VCF-style: chr15-92939693-C-T. GRCh37 (hg19) VCF-style: chr15-93482923-C-T.
Other names: c.667C>T, p.Arg223Cys (NM_001042572.3); short protein forms R223C.
Identifiers: ClinVar variation 916163 (VCV000916163.41), dbSNP rs200830337, ClinGen allele CA7747590.

ClinVar aggregate classification (germline): Uncertain significance. Review status: criteria provided, multiple submitters, no conflicts (2 of 4 stars). 2 submissions from 2 submitters: Uncertain significance (2). Last evaluated 2025-12-22.

Conditions:
Developmental and epileptic encephalopathy 94 (DEE94). Also called: Epileptic encephalopathy, childhood-onset; CHD2-Related Neurodevelopmental Disorders. Identifiers: Orphanet 1942, Orphanet 2382, MedGen C3809278, MONDO:0014150, OMIM 615369.

Allele frequency attached by ClinVar (database versions not stated): gnomAD exomes below 0.00001 and 0.00001; gnomAD 0.00001 and 0.00002; TOPMed 0.00001; ExAC 0.00002; 1000 Genomes Project 30x 0.00016; 1000 Genomes Project 0.00020.
gnomAD v4.1: 7 of 1,613,882 alleles (0.00043%); highest among the groups gnomAD compares: Admixed American, 0.0017%; no homozygotes.

Submissions (2):

Labcorp Genetics (formerly Invitae), Labcorp
Classification: Uncertain significance for Developmental and epileptic encephalopathy 94. Last evaluated: 2025-12-22. Review status: criteria provided, single submitter. Criteria: Invitae Variant Classification Sherloc (09022015). Collection method: clinical testing. Allele origin: germline.
Comment: This sequence change replaces arginine, which is basic and polar, with cysteine, which is neutral and slightly polar, at codon 223 of the CHD2 protein (p.Arg223Cys). This variant is present in population databases (rs200830337, gnomAD 0.003%). This missense change has been observed in individual(s) with clinical features of CHD2-related conditions (PMID: 28191889, 35982159). ClinVar contains an entry for this variant (Variation ID: 916163). Invitae Evidence Modeling of protein sequence and biophysical properties (such as structural, functional, and spatial information, amino acid conservation, physicochemical variation, residue mobility, and thermodynamic stability) indicates that this missense variant is not expected to disrupt CHD2 protein function with a negative predictive value of 95%. In summary, the available evidence is currently insufficient to determine the role of this variant in disease. Therefore, it has been classified as a Variant of Uncertain Significance.

CeGaT Center for Human Genetics Tuebingen
Classification: Uncertain significance. Last evaluated: 2020-03-01. Review status: criteria provided, single submitter. Criteria: CeGaT Center For Human Genetics Tuebingen Variant Classification Criteria Version 2. Collection method: clinical testing. Allele origin: germline. Affected: yes. Observed: 1 variant allele.

Literature cited by the submitters: PubMed 28191889 (cited by Labcorp Genetics (formerly Invitae), Labcorp); PubMed 35982159 (cited by Labcorp Genetics (formerly Invitae), Labcorp).